The following is an entry in ClinVar:

NM_001875.5(CPS1):c.1031C>G (p.Thr344Ser)

Gene: CPS1 (carbamoyl-phosphate synthase 1; plus strand). Cytogenetic location: 2q34.
Variant type: single nucleotide variant.
Coding change: c.1031C>G on transcript NM_001875.5 (MANE Select); coding-DNA position 1031, C replaced by G.
Protein change: p.Thr344Ser; replaces threonine 344 with serine.
Molecular consequence: missense variant. On other transcripts: non-coding transcript variant (1).
Genome position (GRCh38, 1-based): chr2:210,591,914, C>G. VCF-style: chr2-210591914-C-G. GRCh37 (hg19) VCF-style: chr2-211456638-C-G.
Other names: c.1031C>G, p.Thr344Ser (NM_001122633.3, NM_001369257.1); c.1064C>G, p.Thr355Ser (NM_001369256.1); short protein forms T344S, T355S.
Identifiers: ClinVar variation 1024215 (VCV001024215.8), dbSNP rs113394579, ClinGen allele CA350430574.
Genomic context (GRCh38, chr2:210,591,914, plus strand): 5'-ATATCACAAACAAACAGGCTTTCATTACTGCTCAGAATCATGGCTATGCCTTGGACAACA[C>G]CCTCCCTGCTGGCTGGAAACCACTTTTTGTGAATGTCAACGATCAAACAAATGAGGTAAA-3'
Protein context (NP_001866.2, residues 334-354): AQNHGYALDN[Thr344Ser]LPAGWKPLFV

ClinVar aggregate classification (germline): Uncertain significance (1 of 4 stars; one submission).

Conditions:
Congenital hyperammonemia, type I. Also called: Carbamoyl phosphate synthetase 1 deficiency; Hyperammonemia due to carbamoyl phosphate synthetase 1 deficiency; CPS 1 deficiency; Carbamyl phosphate synthetase (CPS) deficiency; Carbamoyl phosphate synthetase I deficiency disease; Carbamoyl-phosphate synthase I deficiency. Identifiers: Orphanet 147, MedGen C4082171, MONDO:0009376, OMIM 237300.

Submission:

Labcorp Genetics (formerly Invitae), Labcorp
Classification: Uncertain significance for Congenital hyperammonemia, type I. Last evaluated: 2020-11-20. Review status: criteria provided, single submitter. Criteria: Invitae Variant Classification Sherloc (09022015). Collection method: clinical testing. Allele origin: germline.
Comment: In summary, the available evidence is currently insufficient to determine the role of this variant in disease. Therefore, it has been classified as a Variant of Uncertain Significance. Algorithms developed to predict the effect of sequence changes on RNA splicing suggest that this variant may create or strengthen a splice site, but this prediction has not been confirmed by published transcriptional studies. Algorithms developed to predict the effect of missense changes on protein structure and function (SIFT, PolyPhen-2, Align-GVGD) all suggest that this variant is likely to be tolerated, but these predictions have not been confirmed by published functional studies and their clinical significance is uncertain. This variant has not been reported in the literature in individuals with CPS1-related conditions. This variant is not present in population databases (ExAC no frequency). This sequence change replaces threonine with serine at codon 344 of the CPS1 protein (p.Thr344Ser). The threonine residue is weakly conserved and there is a small physicochemical difference between threonine and serine.